The following is an entry in ClinVar:

NM_022173.4(TIA1):c.770A>T (p.Asn257Ile)

Gene: TIA1 (TIA1 cytotoxic granule associated RNA binding protein; minus strand). Cytogenetic location: 2p13.3.
Variant type: single nucleotide variant.
Coding change: c.770A>T on transcript NM_022173.4 (MANE Select); coding-DNA position 770, A replaced by T.
Protein change: p.Asn257Ile; replaces asparagine 257 with isoleucine.
Molecular consequence: missense variant. On other transcripts: non-coding transcript variant (17).
Genome position (GRCh38, 1-based): chr2:70,215,489, T>A on the plus strand (A>T on the coding strand, the complement: TIA1 is on the minus strand). VCF-style: chr2-70215489-T-A. GRCh37 (hg19) VCF-style: chr2-70442621-T-A.
Other names: c.770A>T, p.Asn257Ile (NM_001351508.2); c.743A>T, p.Asn248Ile (NM_001351509.2); c.737A>T, p.Asn246Ile (NM_001351510.2, NM_022037.4); c.659A>T, p.Asn220Ile (NM_001351511.1); c.632A>T, p.Asn211Ile (NM_001351512.1); c.626A>T, p.Asn209Ile (NM_001351513.1); c.542A>T, p.Asn181Ile (NM_001351514.2); c.467A>T, p.Asn156Ile (NM_001351515.2); and 1 more; short protein forms N117I, N209I, N220I, N246I, N257I, N156I, N181I, N211I.
Identifiers: ClinVar variation 656352 (VCV000656352.13), dbSNP rs765028674, ClinGen allele CA1697467.

ClinVar aggregate classification (germline): Uncertain significance. Review status: criteria provided, multiple submitters, no conflicts (2 of 4 stars). 2 submissions from 2 submitters: Uncertain significance (2). Last evaluated 2025-10-29.

Conditions:
Welander distal myopathy (WDM). Also called: Gower's muscular dystrophy; MUSCULAR DYSTROPHY, DISTAL, LATE-ONSET, AUTOSOMAL DOMINANT; Welander distal myopathy, Swedish type; Distal myopathy, Swedish type. Identifiers: Orphanet 603, MedGen C0221054, MONDO:0011466, OMIM 604454.

Allele frequency attached by ClinVar (database versions not stated): ExAC 0.00002; TOPMed 0.00002; gnomAD 0.00003; gnomAD exomes 0.00003.
gnomAD v4.1: 162 of 1,609,988 alleles (0.01%); highest among the groups gnomAD compares: Non-Finnish European, 0.013%; no homozygotes.

Submissions (2):

Labcorp Genetics (formerly Invitae), Labcorp
Classification: Uncertain significance for Welander distal myopathy. Last evaluated: 2025-10-29. Review status: criteria provided, single submitter. Criteria: Invitae Variant Classification Sherloc (09022015). Collection method: clinical testing. Allele origin: germline.
Comment: This sequence change replaces asparagine, which is neutral and polar, with isoleucine, which is neutral and non-polar, at codon 257 of the TIA1 protein (p.Asn257Ile). This variant is present in population databases (rs765028674, gnomAD 0.006%). This variant has not been reported in the literature in individuals affected with TIA1-related conditions. ClinVar contains an entry for this variant (Variation ID: 656352). Invitae Evidence Modeling of protein sequence and biophysical properties (such as structural, functional, and spatial information, amino acid conservation, physicochemical variation, residue mobility, and thermodynamic stability) indicates that this missense variant is not expected to disrupt TIA1 protein function with a negative predictive value of 80%. In summary, the available evidence is currently insufficient to determine the role of this variant in disease. Therefore, it has been classified as a Variant of Uncertain Significance.

Revvity Omics, Revvity
Classification: Uncertain significance. Last evaluated: 2020-02-25. Review status: criteria provided, single submitter. Criteria: ACMG Guidelines, 2015. Collection method: clinical testing. Allele origin: germline.